The following is an entry in ClinVar:

NM_006904.7(PRKDC):c.8966C>G (p.Ala2989Gly)

Gene: PRKDC (protein kinase, DNA-activated, catalytic subunit; minus strand). Cytogenetic location: 8q11.21.
Variant type: single nucleotide variant.
Coding change: c.8966C>G on transcript NM_006904.7 (MANE Select); coding-DNA position 8966, C replaced by G.
Protein change: p.Ala2989Gly; replaces alanine 2989 with glycine.
Molecular consequence: missense variant.
Genome position (GRCh38, 1-based): chr8:47,821,749, G>C on the plus strand (C>G on the coding strand, the complement: PRKDC is on the minus strand). VCF-style: chr8-47821749-G-C. GRCh37 (hg19) VCF-style: chr8-48734310-G-C.
Other names: c.8966C>G, p.Ala2989Gly (NM_001081640.2); short protein forms A2989G.
Identifiers: ClinVar variation 2586666 (VCV002586666.2), dbSNP rs1057124116, ClinGen allele CA371140986.

ClinVar aggregate classification (germline): Uncertain significance (1 of 4 stars; one submission).

Submission:

Ambry Genetics
Classification: Uncertain significance. Last evaluated: 2023-06-18. Review status: criteria provided, single submitter. Criteria: Ambry Variant Classification Scheme 2023. Collection method: clinical testing. Allele origin: germline.
Comment: The p.A2989G variant (also known as c.8966C>G), located in coding exon 65 of the PRKDC gene, results from a C to G substitution at nucleotide position 8966. The alanine at codon 2989 is replaced by glycine, an amino acid with similar properties. This amino acid position is conserved. Since supporting evidence is limited at this time, the clinical significance of this alteration remains unclear.